The following is an entry in ClinVar:

ClinVar aggregate classification (germline): Uncertain significance. Review status: criteria provided, multiple submitters, no conflicts (2 of 4 stars). 2 submissions from 2 submitters: Uncertain significance (2). Last evaluated 2025-04-03.

Conditions:
Inborn genetic diseases. Identifiers: MedGen C0950123, MeSH D030342.

Submissions (2):

Ambry Genetics
Classification: Uncertain significance for Inborn genetic diseases. Last evaluated: 2025-04-03. Review status: criteria provided, single submitter. Criteria: Ambry Variant Classification Scheme 2023. Collection method: clinical testing. Allele origin: germline.
Comment: The p.C579R variant (also known as c.1735T>C), located in coding exon 1 of the SAMD9L gene, results from a T to C substitution at nucleotide position 1735. The cysteine at codon 579 is replaced by arginine, an amino acid with highly dissimilar properties. This amino acid position is conserved. In addition, the in silico prediction for this alteration is inconclusive. Based on the available evidence, the clinical significance of this variant remains unclear.

GeneDx
Classification: Uncertain significance. Last evaluated: 2023-07-12. Review status: criteria provided, single submitter. Criteria: GeneDx Variant Classification Process June 2021. Collection method: clinical testing. Allele origin: germline. Affected: yes.
Comment: Not observed at significant frequency in large population cohorts (gnomAD); In silico analysis supports that this missense variant has a deleterious effect on protein structure/function; Has not been previously published as pathogenic or benign to our knowledge; This variant is associated with the following publications: (PMID: 28545555)

NM_152703.5(SAMD9L):c.1735T>C (p.Cys579Arg)

Gene: SAMD9L (sterile alpha motif domain containing 9 like; minus strand). Cytogenetic location: 7q21.2.
Variant type: single nucleotide variant.
Coding change: c.1735T>C on transcript NM_152703.5 (MANE Select); coding-DNA position 1735, T replaced by C.
Protein change: p.Cys579Arg; replaces cysteine 579 with arginine.
Molecular consequence: missense variant.
Genome position (GRCh38, 1-based): chr7:93,134,237, A>G on the plus strand (T>C on the coding strand, the complement: SAMD9L is on the minus strand). VCF-style: chr7-93134237-A-G. GRCh37 (hg19) VCF-style: chr7-92763550-A-G.
Other names: c.1735T>C, p.Cys579Arg (NM_001303496.3, NM_001303497.3, NM_001303498.3 and 5 more transcripts); c.1735T>C (NM_152703.2); short protein forms C579R.
Identifiers: ClinVar variation 3361061 (VCV003361061.2).